The following is an entry in ClinVar:

NM_153252.5(BRWD3):c.*6862T>C

Gene: BRWD3 (bromodomain and WD repeat domain containing 3; minus strand). Cytogenetic location: Xq21.1.
Variant type: single nucleotide variant.
Coding change: c.*6862T>C on transcript NM_153252.5 (MANE Select); 6862 bases downstream of the stop codon, T replaced by C.
Molecular consequence: 3 prime UTR variant.
Genome position (GRCh38, 1-based): chrX:80,669,747, A>G on the plus strand (T>C on the coding strand, the complement: BRWD3 is on the minus strand). VCF-style: chrX-80669747-A-G. GRCh37 (hg19) VCF-style: chrX-79925246-A-G.
Identifiers: ClinVar variation 368680 (VCV000368680.5), dbSNP rs2063579, ClinGen allele CA10654385.

ClinVar aggregate classification (germline): Benign (1 of 4 stars; one submission).

Conditions:
Intellectual developmental disorder, X-linked 93. Also called: MENTAL RETARDATION, X-LINKED, WITH MACROCEPHALY; Intellectual disability, X-linked 93. Identifiers: MedGen C1970841, MONDO:0010393, OMIM 300659.

Allele frequency attached by ClinVar (database versions not stated): TOPMed 0.62661; gnomAD 0.63956; 1000 Genomes Project 0.52106; 1000 Genomes Project 30x 0.52216.

Submission:

Illumina Laboratory Services, Illumina
Classification: Benign for Intellectual developmental disorder, X-linked 93. Last evaluated: 2017-04-27. Review status: criteria provided, single submitter. Criteria: ICSL Variant Classification Criteria 13 December 2019. Collection method: clinical testing. Allele origin: germline.
Comment: This variant was observed as part of a predisposition screen in an ostensibly healthy population. A literature search was performed for the gene, cDNA change, and amino acid change (where applicable). No publications were found based on this search. Allele frequency data from public databases was too high to be consistent with this variant causing disease. Therefore, this variant is classified as benign.